The following is an entry in ClinVar:

ClinVar aggregate classification (germline): Uncertain significance. Review status: criteria provided, multiple submitters, no conflicts (2 of 4 stars). 2 submissions from 2 submitters: Uncertain significance (2). Last evaluated 2025-07-31.

Conditions:
Joubert syndrome. Also called: CEREBELLOPARENCHYMAL DISORDER IV; JOUBERT-BOLTSHAUSER SYNDROME; Familial aplasia of the vermis. Identifiers: Orphanet 475, MedGen C5979921, MONDO:0018772.
Nephronophthisis. Also called: Juvenile Nephronophthisis. Identifiers: Orphanet 655, MedGen C0687120, MONDO:0019005, HP:0000090.
Meckel-Gruber syndrome. Also called: DYSENCEPHALIA SPLANCHNOCYSTICA; GRUBER SYNDROME; Dysencephalia splachnocystica. Identifiers: Orphanet 564, MedGen C0265215, MONDO:0018921.
Retinal dystrophy. Also called: Inherited retinal dystrophy. Identifiers: Orphanet 71862, MedGen C0854723, MeSH D058499, MONDO:0019118, HP:0000556.

Allele frequency attached by ClinVar (database versions not stated): gnomAD exomes 0.00001; TOPMed 0.00002.
gnomAD v4.1: 6 of 1,592,224 alleles (0.00038%); highest among the groups gnomAD compares: Non-Finnish European, 0.00051%; no homozygotes.

Submissions (2):

Labcorp Genetics (formerly Invitae), Labcorp
Classification: Uncertain significance for Joubert syndrome; Meckel-Gruber syndrome; Nephronophthisis. Last evaluated: 2025-07-31. Review status: criteria provided, single submitter. Criteria: Invitae Variant Classification Sherloc (09022015). Collection method: clinical testing. Allele origin: germline.
Comment: This sequence change replaces asparagine, which is neutral and polar, with serine, which is neutral and polar, at codon 2022 of the CEP290 protein (p.Asn2022Ser). This variant is not present in population databases (gnomAD no frequency). This variant has not been reported in the literature in individuals affected with CEP290-related conditions. ClinVar contains an entry for this variant (Variation ID: 1373892). Invitae Evidence Modeling of protein sequence and biophysical properties (such as structural, functional, and spatial information, amino acid conservation, physicochemical variation, residue mobility, and thermodynamic stability) indicates that this missense variant is expected to disrupt CEP290 protein function with a positive predictive value of 80%. In summary, the available evidence is currently insufficient to determine the role of this variant in disease. Therefore, it has been classified as a Variant of Uncertain Significance.

Dept Of Ophthalmology, Nagoya University
Classification: Uncertain significance for Retinal dystrophy. Last evaluated: 2023-10-01. Review status: criteria provided, single submitter. Criteria: Submitter's publication. Collection method: research. Allele origin: germline. Affected: yes.

NM_025114.4(CEP290):c.6065A>G (p.Asn2022Ser)

Gene: CEP290 (centrosomal protein 290; minus strand). Cytogenetic location: 12q21.32.
Variant type: single nucleotide variant.
Coding change: c.6065A>G on transcript NM_025114.4 (MANE Select); coding-DNA position 6065, A replaced by G.
Protein change: p.Asn2022Ser; replaces asparagine 2022 with serine.
Molecular consequence: missense variant.
Genome position (GRCh38, 1-based): chr12:88,068,592, T>C on the plus strand (A>G on the coding strand, the complement: CEP290 is on the minus strand). VCF-style: chr12-88068592-T-C. GRCh37 (hg19) VCF-style: chr12-88462369-T-C.
Other names: short protein forms N2022S.
Identifiers: ClinVar variation 1373892 (VCV001373892.6), dbSNP rs1283291449, ClinGen allele CA385982214.
Genomic context (GRCh38, chr12:88,068,592, plus strand): 5'-GAATATGTATCCTTTGAAAACTGTTTTTCTAAAGCATGAAGTTTTTCTTGGAGGTATCTA[T>C]TTTGTAAATGTAAATCTTCTACAACAGAATCTCGAGGAAGAGCTTGGTGGGCCCTATGAA-3'
Protein context (NP_079390.3, residues 2012-2032): DSVVEDLHLQ[Asn2022Ser]RYLQEKLHAL